The following is an entry in ClinVar:

NM_003718.5(CDK13):c.1940C>T (p.Ala647Val)

Gene: CDK13 (cyclin dependent kinase 13; plus strand). Cytogenetic location: 7p14.1.
Variant type: single nucleotide variant.
Coding change: c.1940C>T on transcript NM_003718.5 (MANE Select); coding-DNA position 1940, C replaced by T.
Protein change: p.Ala647Val; replaces alanine 647 with valine.
Molecular consequence: missense variant.
Genome position (GRCh38, 1-based): chr7:39,997,562, C>T. VCF-style: chr7-39997562-C-T. GRCh37 (hg19) VCF-style: chr7-40037161-C-T.
Other names: c.1940C>T, p.Ala647Val (NM_031267.4); short protein forms A647V.
Identifiers: ClinVar variation 5003110 (VCV005003110.1).
Genomic context (GRCh38, chr7:39,997,562, plus strand): 5'-GAAATATTTCAGTAAAAGCAGTTAAAAAAGAAGTAGAAAAGAAACTCCGATGTCTTCTTG[C>T]TGATTTACCGCTGCCCCCTGAGCTACCAGGAGGAGATGATCTTTCAAAGAGTCCAGAGGA-3'
Protein context (NP_003709.3, residues 637-657): EVEKKLRCLL[Ala647Val]DLPLPPELPG

ClinVar aggregate classification (germline): Uncertain significance (1 of 4 stars; one submission).

Conditions:
Congenital heart defects, dysmorphic facial features, and intellectual developmental disorder (CHDFIDD). Identifiers: Orphanet 646278, MedGen C4479246, MONDO:0044302, OMIM 617360.

Submission:

OLLIN Analises Genomicas, OLLIN
Classification: Uncertain significance for Congenital heart defects, dysmorphic facial features, and intellectual developmental disorder. Last evaluated: 2026-08-06. Review status: criteria provided, single submitter. Criteria: ACMG Guidelines 2015 PMID 25741868. Collection method: clinical testing. Allele origin: germline. Inheritance: Autosomal dominant inheritance.
Comment: This missense variant, located in exon 3 (of 14), is absent from gnomAD and ClinVar and has not been identified in the literature. In silico analysis predicts that this variant has a tolerated effect. According to the currently available evidence, this variant has been classified as uncertain significance (PM2_P, BP4_M).